The following is an entry in ClinVar:

ClinVar aggregate classification (germline): Uncertain significance. Review status: criteria provided, multiple submitters, no conflicts (2 of 4 stars). 3 submissions from 3 submitters: Uncertain significance (3). Last evaluated 2025-06-10.

Conditions:
Hereditary cancer-predisposing syndrome. Also called: Tumor predisposition; Hereditary neoplastic syndrome; Neoplastic Syndromes, Hereditary; Hereditary Cancer Syndrome. Identifiers: Orphanet 140162, MedGen C0027672, MeSH D009386, MONDO:0015356.

Allele frequency attached by ClinVar (database versions not stated): gnomAD exomes below 0.00001.

Submissions (4):

Ambry Genetics
Classification: Uncertain significance for Hereditary cancer-predisposing syndrome. Last evaluated: 2025-06-10. Review status: criteria provided, single submitter. Criteria: Ambry Variant Classification Scheme 2023. Collection method: clinical testing. Allele origin: germline.
Comment: The p.A1814D variant (also known as c.5441C>A), located in coding exon 21 of the BRCA1 gene, results from a C to A substitution at nucleotide position 5441. The alanine at codon 1814 is replaced by aspartic acid, an amino acid with dissimilar properties. This amino acid position is highly conserved in available vertebrate species. In addition, this alteration is predicted to be deleterious by in silico analysis. Based on the available evidence, the clinical significance of this variant remains unclear.

CeGaT Center for Human Genetics Tuebingen
Classification: Uncertain significance. Last evaluated: 2021-01-01. Review status: criteria provided, single submitter. Criteria: CeGaT Center For Human Genetics Tuebingen Variant Classification Criteria Version 2. Collection method: clinical testing. Allele origin: germline. Affected: yes. Observed: 1 variant allele.

Color Diagnostics, LLC DBA Color Health
Classification: Uncertain significance for Hereditary cancer-predisposing syndrome. Last evaluated: 2020-10-19. Review status: criteria provided, single submitter. Criteria: ACMG Guidelines, 2015. Collection method: clinical testing. Allele origin: germline.
Comment: This missense variant replaces alanine with aspartic acid at codon 1814 of the BRCA1 protein. Computational prediction suggests that this variant may have deleterious impact on protein structure and function (internally defined REVEL score threshold >= 0.7, PMID: 27666373). This variant has been reported to be partially functional in a haploid cell proliferation assay (PMID: 30209399). This variant has not been reported in individuals affected with hereditary cancer in the literature. This variant has been identified in 1/251490 chromosomes in the general population by the Genome Aggregation Database (gnomAD). The available evidence is insufficient to determine the role of this variant in disease conclusively. Therefore, this variant is classified as a Variant of Uncertain Significance.

Brotman Baty Institute, University of Washington
No classification provided (evidence only). Condition: Breast-ovarian cancer, familial 1. Review status: no classification provided. Collection method: in vitro. Allele origin: not applicable. Functional consequence: function_uncertain_variant. Not counted in ClinVar's aggregate classification.
ClinVar note: "not provided" was previously submitted as the classification for the variant. However, the classification appeared to be based only on an observation of functional data so it was converted to no classification on 2025-07-30.

NM_007294.4(BRCA1):c.5441C>A (p.Ala1814Asp)

Gene: BRCA1 (BRCA1 DNA repair associated; minus strand). Cytogenetic location: 17q21.31.
Variant type: single nucleotide variant.
Coding change: c.5441C>A on transcript NM_007294.4 (MANE Select); coding-DNA position 5441, C replaced by A.
Protein change: p.Ala1814Asp; replaces alanine 1814 with aspartic acid.
Molecular consequence: missense variant. On other transcripts: nonsense (17), non-coding transcript variant (1).
Genome position (GRCh38, 1-based): chr17:43,047,669, G>T on the plus strand (C>A on the coding strand, the complement: BRCA1 is on the minus strand). VCF-style: chr17-43047669-G-T. GRCh37 (hg19) VCF-style: chr17-41199686-G-T.
Other names: c.5228C>A, p.Ala1743Asp (NM_001407571.1, NM_001407900.1, NM_001407902.1 and 12 more transcripts); c.5507C>A, p.Ala1836Asp (NM_001407581.1, NM_001407582.1); c.5504C>A, p.Ala1835Asp (NM_001407583.1, NM_001407585.1, NM_001407587.1 and 1 more transcripts); c.5501C>A, p.Ala1834Asp (NM_001407590.1, NM_001407591.1); c.5441C>A, p.Ala1814Asp (NM_001407593.1, NM_001407594.1, NM_001407596.1 and 5 more transcripts); c.5438C>A, p.Ala1813Asp (NM_001407610.1, NM_001407611.1, NM_001407612.1 and 14 more transcripts); c.5435C>A, p.Ala1812Asp (NM_001407629.1, NM_001407630.1, NM_001407631.1 and 13 more transcripts); c.5381C>A, p.Ala1794Asp (NM_001407649.1); and 83 more; short protein forms A1767D, A1835D, C685*, A1814D, A710D, A1686D, A1726D, A1745D.
Identifiers: ClinVar variation 825736 (VCV000825736.48), dbSNP rs1398117278, ClinGen allele CA10590532.
Genomic context (GRCh38, chr17:43,047,669, plus strand): 5'-CCCCATATAGCACAGGTACATGCAGGCACCTTACCATGGAAGCCATTGTCCTCTGTCCAG[G>T]CATCTGGCTGCACAACCACAATTGGGTGGACACCCTGGATCCCCAGGAAGGAAAGAGCAT-3'
Protein context (NP_009225.1, residues 1804-1824): VHPIVVVQPD[Ala1814Asp]WTEDNGFHAI